The following is an entry in ClinVar:

NM_176787.5(PIGN):c.1174del (p.Leu392fs)

Genes: PIGN (phosphatidylinositol glycan anchor biosynthesis class N; minus strand), LOC132090498 (Neanderthal introgressed variant-containing enhancer experimental_48738; plus strand). Cytogenetic location: 18q21.33.
Variant type: Deletion.
Coding change: c.1174del on transcript NM_176787.5 (MANE Select); coding-DNA position 1174, one base deleted (C; older notation c.1174delC).
Protein change: p.Leu392fs; shifts the reading frame from leucine 392.
Molecular consequence: frameshift variant. On other transcripts: intron variant (1).
Genome position (GRCh38, 1-based): chr18:62,114,638, G deleted on the plus strand (C on the coding strand, the reverse complement: PIGN is on the minus strand). VCF-style (leftmost placement, unchanged base first): chr18-62114637-AG-A. GRCh37 (hg19) VCF-style: chr18-59781870-AG-A.
Other names: c.1174del, p.Leu392fs (NM_001438896.1, NM_001438904.1, NM_001438905.1 and 1 more transcripts); c.1173-7553del (NM_001438910.1); short protein forms L392fs.
Identifiers: ClinVar variation 4715457 (VCV004715457.1).

ClinVar aggregate classification (germline): Pathogenic (1 of 4 stars; one submission).

Conditions:
Multiple congenital anomalies-hypotonia-seizures syndrome 1 (MCAHS1). Also called: GLYCOSYLPHOSPHATIDYLINOSITOL BIOSYNTHESIS DEFECT 3; PIGN-CDG; Congenital disorder of glycosylation due to PIGN deficiency. Identifiers: Orphanet 280633, MedGen C3279775, MONDO:0013563, OMIM 614080.

Submission:

Labcorp Genetics (formerly Invitae), Labcorp
Classification: Pathogenic for Multiple congenital anomalies-hypotonia-seizures syndrome 1. Last evaluated: 2025-03-19. Review status: criteria provided, single submitter. Criteria: Invitae Variant Classification Sherloc (09022015). Collection method: clinical testing. Allele origin: germline.
Comment: This sequence change creates a premature translational stop signal (p.Leu392Cysfs*11) in the PIGN gene. It is expected to result in an absent or disrupted protein product. Loss-of-function variants in PIGN are known to be pathogenic (PMID: 24253414, 27038415). This variant is not present in population databases (gnomAD no frequency). This variant has not been reported in the literature in individuals affected with PIGN-related conditions. For these reasons, this variant has been classified as Pathogenic.

Literature cited by the submitters: PubMed 24253414; PubMed 27038415.